The following is an entry in ClinVar:

ClinVar aggregate classification (germline): Uncertain significance (1 of 4 stars; one submission).

gnomAD v4.1: 3 of 1,613,994 alleles (0.00019%); highest among the groups gnomAD compares: Non-Finnish European, 0.00025%; no homozygotes.

Submission:

Labcorp Genetics (formerly Invitae), Labcorp
Classification: Uncertain significance. Last evaluated: 2023-02-14. Review status: criteria provided, single submitter. Criteria: Invitae Variant Classification Sherloc (09022015). Collection method: clinical testing. Allele origin: germline.
Comment: This sequence change replaces aspartic acid, which is acidic and polar, with glutamic acid, which is acidic and polar, at codon 423 of the GSN protein (p.Asp423Glu). This variant is not present in population databases (gnomAD no frequency). This variant has not been reported in the literature in individuals affected with GSN-related conditions. Advanced modeling of protein sequence and biophysical properties (such as structural, functional, and spatial information, amino acid conservation, physicochemical variation, residue mobility, and thermodynamic stability) has been performed at Invitae for this missense variant, however the output from this modeling did not meet the statistical confidence thresholds required to predict the impact of this variant on GSN protein function. In summary, the available evidence is currently insufficient to determine the role of this variant in disease. Therefore, it has been classified as a Variant of Uncertain Significance.

NM_198252.3(GSN):c.1116C>A (p.Asp372Glu)

Gene: GSN (gelsolin; plus strand). Cytogenetic location: 9q33.2.
Variant type: single nucleotide variant.
Coding change: c.1116C>A on transcript NM_198252.3 (MANE Select); coding-DNA position 1116, C replaced by A.
Protein change: p.Asp372Glu; replaces aspartic acid 372 with glutamic acid.
Molecular consequence: missense variant.
Genome position (GRCh38, 1-based): chr9:121,318,805, C>A. VCF-style: chr9-121318805-C-A. GRCh37 (hg19) VCF-style: chr9-124081083-C-A.
Other names: c.1269C>A, p.Asp423Glu (NM_000177.5); c.1116C>A, p.Asp372Glu (NM_001127662.2, NM_001127664.2, NM_001127665.2 and 10 more transcripts); c.1224C>A, p.Asp408Glu (NM_001127663.2); c.1149C>A, p.Asp383Glu (NM_001127666.2, NM_001127667.2, NM_001353072.2 and 13 more transcripts); c.1167C>A, p.Asp389Glu (NM_001258029.2); c.1140C>A, p.Asp380Glu (NM_001258030.2); c.1188C>A, p.Asp396Glu (NM_001353076.2); c.462C>A, p.Asp154Glu (NM_001353078.2); short protein forms D154E, D372E, D383E, D408E, D389E, D423E, D380E, D396E.
Identifiers: ClinVar variation 2866728 (VCV002866728.3), dbSNP rs570941875, ClinGen allele CA374747703.
Genomic context (GRCh38, chr9:121,318,805, plus strand): 5'-TGGCCTGGGCTTGTCCTACCTTTCCAGCCATATCGCCAACGTGGAGCGGGTGCCCTTCGA[C>A]GCCGCCACCCTGCACACCTCCACTGCCATGGCCGCCCAGCACGGCATGGATGACGATGGC-3'
Protein context (NP_937895.1, residues 362-382): HIANVERVPF[Asp372Glu]AATLHTSTAM